The following is an entry in ClinVar:

ClinVar aggregate classification (germline): Uncertain significance (1 of 4 stars; one submission).

Conditions:
Fanconi anemia (FA). Also called: Fanconi's anemia. Identifiers: Orphanet 84, MedGen C0015625, MeSH D005199, MONDO:0019391.

Submission:

Labcorp Genetics (formerly Invitae), Labcorp
Classification: Uncertain significance for Fanconi anemia. Last evaluated: 2021-03-01. Review status: criteria provided, single submitter. Criteria: Invitae Variant Classification Sherloc (09022015). Collection method: clinical testing. Allele origin: germline.
Comment: This sequence change replaces proline with valine at codon 307 of the FANCI protein (p.Pro307Val). The proline residue is highly conserved and there is a small physicochemical difference between proline and valine. This variant is not present in population databases (ExAC no frequency). This variant has not been reported in the literature in individuals with FANCI-related conditions. Algorithms developed to predict the effect of missense changes on protein structure and function are either unavailable or do not agree on the potential impact of this missense change (SIFT: "Not Available"; PolyPhen-2: "Possibly Damaging"; Align-GVGD: "Not Available"). In summary, the available evidence is currently insufficient to determine the role of this variant in disease. Therefore, it has been classified as a Variant of Uncertain Significance.

NM_001113378.2(FANCI):c.919_920delinsGT (p.Pro307Val)

Gene: FANCI (FA complementation group I; plus strand). Cytogenetic location: 15q26.1.
Variant type: Indel.
Coding change: c.919_920delinsGT on transcript NM_001113378.2 (MANE Select); coding-DNA positions 919 to 920, CC replaced by GT.
Protein change: p.Pro307Val; replaces proline 307 with valine.
Molecular consequence: missense variant.
Genome position (GRCh38, 1-based): chr15:89,273,413-89,273,414, CC replaced by GT. VCF-style: chr15-89273413-CC-GT. GRCh37 (hg19) VCF-style: chr15-89816644-CC-GT.
Other names: c.640_641delinsGT, p.Pro214Val (NM_001376910.1); c.919_920delinsGT, p.Pro307Val (NM_001376911.1, NM_018193.3); short protein forms P214V, P307V.
Identifiers: ClinVar variation 1008088 (VCV001008088.7), dbSNP rs2053278264, ClinGen allele CA2194560830.